The following is an entry in ClinVar:

NM_000179.3(MSH6):c.1650T>C (p.Ser550=)

Gene: MSH6 (mutS homolog 6; plus strand). Cytogenetic location: 2p16.3.
Variant type: single nucleotide variant.
Coding change: c.1650T>C on transcript NM_000179.3 (MANE Select); coding-DNA position 1650, T replaced by C.
Protein change: p.Ser550=; no amino-acid change (serine 550 retained).
Molecular consequence: synonymous variant.
Genome position (GRCh38, 1-based): chr2:47,799,633, T>C. VCF-style: chr2-47799633-T-C. GRCh37 (hg19) VCF-style: chr2-48026772-T-C.
Other names: c.1260T>C, p.Ser420= (NM_001281492.2); c.744T>C, p.Ser248= (NM_001281493.2, NM_001281494.2).
Identifiers: ClinVar variation 1121453 (VCV001121453.13), dbSNP rs781124198, ClinGen allele CA067963.

ClinVar aggregate classification (germline): Benign/Likely benign. Review status: criteria provided, multiple submitters, no conflicts (2 of 4 stars). 5 submissions from 5 submitters: Benign (1); Likely benign (4). Last evaluated 2026-01-31.

Conditions:
Hereditary nonpolyposis colorectal neoplasms. Identifiers: MedGen C0009405, MeSH D003123.
Lynch syndrome 5 (LYNCH5). Also called: Hereditary non-polyposis colorectal cancer, type 5; Colorectal cancer, hereditary nonpolyposis, type 5. Identifiers: Orphanet 144, MedGen C1833477, MONDO:0013710, OMIM 614350. Disease mechanism: loss of function.
Hereditary cancer-predisposing syndrome. Also called: Neoplastic Syndromes, Hereditary; Hereditary Cancer Syndrome; Hereditary neoplastic syndrome; Tumor predisposition. Identifiers: Orphanet 140162, MedGen C0027672, MeSH D009386, MONDO:0015356.

Allele frequency attached by ClinVar (database versions not stated): gnomAD exomes below 0.00001; TOPMed below 0.00001; ExAC 0.00002.

Submissions (5):

Labcorp Genetics (formerly Invitae), Labcorp
Classification: Likely benign for Hereditary nonpolyposis colorectal neoplasms. Last evaluated: 2026-01-31. Review status: criteria provided, single submitter. Criteria: Invitae Variant Classification Sherloc (09022015). Collection method: clinical testing. Allele origin: germline.

Myriad Genetics, Inc.
Classification: Benign for Lynch syndrome 5. Last evaluated: 2024-12-27. Review status: criteria provided, single submitter. Criteria: Myriad Autosomal Dominant, Autosomal Recessive and X-Linked Classification Criteria (2023). Collection method: clinical testing. Allele origin: unknown.
Comment: This variant is considered benign. This variant is a silent/synonymous amino acid change and it is not expected to impact splicing.

Ambry Genetics
Classification: Likely benign for Hereditary cancer-predisposing syndrome. Last evaluated: 2022-09-12. Review status: criteria provided, single submitter. Criteria: Ambry Variant Classification Scheme 2023. Collection method: clinical testing. Allele origin: germline.

Sema4
Classification: Likely benign for Hereditary cancer-predisposing syndrome. Last evaluated: 2021-04-23. Review status: criteria provided, single submitter. Criteria: Sema4 Curation Guidelines. Collection method: curation. Allele origin: germline.

Color Diagnostics, LLC DBA Color Health
Classification: Likely benign for Hereditary cancer-predisposing syndrome. Last evaluated: 2015-10-29. Review status: criteria provided, single submitter. Criteria: ACMG Guidelines, 2015. Collection method: clinical testing. Allele origin: germline.